The following is an entry in ClinVar:

NM_001429.4(EP300):c.4656T>G (p.Asn1552Lys)

Gene: EP300 (EP300 lysine acetyltransferase; plus strand). Cytogenetic location: 22q13.2.
Variant type: single nucleotide variant.
Coding change: c.4656T>G on transcript NM_001429.4 (MANE Select); coding-DNA position 4656, T replaced by G.
Protein change: p.Asn1552Lys; replaces asparagine 1552 with lysine.
Molecular consequence: missense variant.
Genome position (GRCh38, 1-based): chr22:41,173,661, T>G. VCF-style: chr22-41173661-T-G. GRCh37 (hg19) VCF-style: chr22-41569665-T-G.
Other names: c.4578T>G, p.Asn1526Lys (NM_001362843.2); short protein forms N1526K, N1552K.
Identifiers: ClinVar variation 1706333 (VCV001706333.3), dbSNP rs376183002, ClinGen allele CA411704951.

ClinVar aggregate classification (germline): Uncertain significance (1 of 4 stars; one submission).

Allele frequency attached by ClinVar (database versions not stated): gnomAD exomes below 0.00001.
gnomAD v4.1: 1 of 1,614,074 alleles (0.000062%); highest among the groups gnomAD compares: East Asian, 0.0022%; no homozygotes.

Submission:

GeneDx
Classification: Uncertain significance. Last evaluated: 2025-12-29. Review status: criteria provided, single submitter. Criteria: GeneDx Variant Classification Process June 2021. Collection method: clinical testing. Allele origin: germline.
Comment: Not observed at significant frequency in large population cohorts (gnomAD); In silico analysis supports that this missense variant has a deleterious effect on protein structure/function; Has not been previously published as pathogenic or benign to our knowledge